The following is an entry in ClinVar:

ClinVar aggregate classification (germline): Benign (0 of 4 stars; one submission).

Conditions:
SLAIN1-related disorder. Also called: SLAIN1-related condition.

Allele frequency attached by ClinVar (database versions not stated): ExAC 0.00065; gnomAD exomes 0.00089; TOPMed 0.00126; gnomAD 0.00151; 1000 Genomes Project 30x 0.00734; 1000 Genomes Project 0.00739.
gnomAD v4.1: 1,529 of 1,535,482 alleles (0.1%); highest among the groups gnomAD compares: East Asian, 3.2%; 34 homozygotes.

Submission:

PreventionGenetics, part of Exact Sciences
Classification: Benign for SLAIN1-related condition. Last evaluated: 2019-10-07. Review status: no assertion criteria provided. Collection method: clinical testing. Allele origin: germline.
Comment: This variant is classified as benign based on ACMG/AMP sequence variant interpretation guidelines (Richards et al. 2015 PMID: 25741868, with internal and published modifications).

NM_001242868.2(SLAIN1):c.626+500G>A

Gene: SLAIN1 (SLAIN motif family member 1; plus strand). Cytogenetic location: 13q22.3.
Variant type: single nucleotide variant.
Coding change: c.626+500G>A on transcript NM_001242868.2 (MANE Select); 500 bases into the intron after coding-DNA position 626, G replaced by A.
Molecular consequence: intron variant. On other transcripts: missense variant (2).
Genome position (GRCh38, 1-based): chr13:77,699,039, G>A. VCF-style: chr13-77699039-G-A. GRCh37 (hg19) VCF-style: chr13-78273174-G-A.
Other names: c.116G>A, p.Gly39Glu (NM_001040153.4, NM_001366665.1); c.626+500G>A (NM_001411026.1); short protein forms G39E.
Identifiers: ClinVar variation 3042765 (VCV003042765.2), dbSNP rs142503713, ClinGen allele CA7011797.